The following is an entry in ClinVar:

ClinVar aggregate classification (germline): Uncertain significance (1 of 4 stars; one submission).

gnomAD v4.1: 8 of 1,166,603 alleles (0.00069%); highest among the groups gnomAD compares: Admixed American, 0.017%; 1 homozygote.

Submission:

Ambry Genetics
Classification: Uncertain significance. Last evaluated: 2025-12-22. Review status: criteria provided, single submitter. Criteria: Ambry Variant Classification Scheme 2023. Collection method: clinical testing. Allele origin: germline.
Comment: The c.814T>G (p.Y272D) alteration is located in exon 6 (coding exon 6) of the APEX2 gene. This alteration results from a T to G substitution at nucleotide position 814, causing the tyrosine (Y) at amino acid position 272 to be replaced by an aspartic acid (D). Based on data from gnomAD, the G allele has an overall frequency of 0.001% (2/139454) total alleles studied. The highest observed frequency was 0.03% (1/3387) of Other alleles. Based on insufficient or conflicting evidence, the clinical significance of this alteration remains unclear.

NM_014481.4(APEX2):c.814T>G (p.Tyr272Asp)

Gene: APEX2 (apurinic/apyrimidinic endodeoxyribonuclease 2; plus strand). Cytogenetic location: Xp11.21.
Variant type: single nucleotide variant.
Coding change: c.814T>G on transcript NM_014481.4 (MANE Select); coding-DNA position 814, T replaced by G.
Protein change: p.Tyr272Asp; replaces tyrosine 272 with aspartic acid.
Molecular consequence: missense variant.
Genome position (GRCh38, 1-based): chrX:55,006,692, T>G. VCF-style: chrX-55006692-T-G. GRCh37 (hg19) VCF-style: chrX-55033125-T-G.
Other names: c.301T>G, p.Tyr101Asp (NM_001271748.2); short protein forms Y101D, Y272D.
Identifiers: ClinVar variation 4829076 (VCV004829076.1).